The following is an entry in ClinVar:

NM_005036.6(PPARA):c.803C>T (p.Ala268Val)

Gene: PPARA (peroxisome proliferator activated receptor alpha; plus strand). Cytogenetic location: 22q13.31.
Variant type: single nucleotide variant.
Coding change: c.803C>T on transcript NM_005036.6 (MANE Select); coding-DNA position 803, C replaced by T.
Protein change: p.Ala268Val; replaces alanine 268 with valine.
Molecular consequence: missense variant. On other transcripts: intron variant (1).
Genome position (GRCh38, 1-based): chr22:46,231,883, C>T. VCF-style: chr22-46231883-C-T. GRCh37 (hg19) VCF-style: chr22-46627780-C-T.
Other names: NC_000022.10:g.46627780C>T; c.803C>T, p.Ala268Val (NM_001362872.2, NM_001362873.3, NM_001393941.1 and 6 more transcripts); c.788C>T, p.Ala263Val (NM_001393946.1); c.509-3250C>T (NM_001393947.1); short protein forms A263V, A268V.
Identifiers: ClinVar variation 3041835 (VCV003041835.3), dbSNP rs1042311, ClinGen allele CA10289074.

ClinVar aggregate classification (germline): Likely benign (0 of 4 stars; one submission).

Conditions:
PPARA-related disorder. Also called: PPARA-related condition.

Allele frequency attached by ClinVar (database versions not stated): 1000 Genomes Project 0.00220; 1000 Genomes Project 30x 0.00234; TOPMed 0.00335; gnomAD 0.00369; ExAC 0.00392; ESP Exome Variant Server 0.00431; gnomAD exomes 0.00546.
gnomAD v4.1: 8,500 of 1,614,122 alleles (0.53%); highest among the groups gnomAD compares: Non-Finnish European, 0.64%; 32 homozygotes.

Submissions (7):

PreventionGenetics, part of Exact Sciences
Classification: Likely benign for PPARA-related condition. Last evaluated: 2019-08-01. Review status: no assertion criteria provided. Collection method: clinical testing. Allele origin: germline.
Comment: This variant is classified as likely benign based on ACMG/AMP sequence variant interpretation guidelines (Richards et al. 2015 PMID: 25741868, with internal and published modifications).

Dr. Peter K. Rogan Lab, Western University
No classification provided (evidence only). Condition: Clear cell carcinoma of kidney. Review status: no classification provided. Collection method: in vitro. Allele origin: not applicable. Functional consequence: retained intron. Not counted in ClinVar's aggregate classification.

Dr. Peter K. Rogan Lab, Western University
No classification provided (evidence only). Condition: Melanoma. Review status: no classification provided. Collection method: in vitro. Allele origin: not applicable. Functional consequence: retained intron. Not counted in ClinVar's aggregate classification.

Dr. Peter K. Rogan Lab, Western University
No classification provided (evidence only). Condition: Sarcoma. Review status: no classification provided. Collection method: in vitro. Allele origin: not applicable. Functional consequence: retained intron. Not counted in ClinVar's aggregate classification.

Dr. Peter K. Rogan Lab, Western University
No classification provided (evidence only). Condition: Malignant lymphoma, large B-cell, diffuse. Review status: no classification provided. Collection method: in vitro. Allele origin: not applicable. Functional consequence: retained intron. Not counted in ClinVar's aggregate classification.

Dr. Peter K. Rogan Lab, Western University
No classification provided (evidence only). Condition: Ovarian serous cystadenocarcinoma. Review status: no classification provided. Collection method: in vitro. Allele origin: not applicable. Functional consequence: retained intron. Not counted in ClinVar's aggregate classification.

Dr. Peter K. Rogan Lab, Western University
No classification provided (evidence only). Condition: Ovarian serous cystadenocarcinoma. Review status: no classification provided. Collection method: in vitro. Allele origin: not applicable. Functional consequence: retained intron. Not counted in ClinVar's aggregate classification.